The following is an entry in ClinVar:

NM_133459.4(CCBE1):c.400+1del

Gene: CCBE1 (collagen and calcium binding EGF domains 1; minus strand). Cytogenetic location: 18q21.32.
Variant type: Deletion.
Coding change: c.400+1del on transcript NM_133459.4 (MANE Select); the canonical splice donor site of the intron after coding-DNA position 400, one base deleted (G; older notation c.400+1delG).
Molecular consequence: splice donor variant.
Genome position (GRCh38, 1-based): chr18:59,469,472, C deleted on the plus strand (G on the coding strand, the reverse complement: CCBE1 is on the minus strand); the first of 3 consecutive C bases (chr18:59,469,472-59,469,474); deleting any one gives the same sequence. VCF-style (leftmost placement, unchanged base first): chr18-59469471-AC-A. GRCh37 (hg19) VCF-style: chr18-57136703-AC-A.
Identifiers: ClinVar variation 1066181 (VCV001066181.7), dbSNP rs2143731723, ClinGen allele CA2499225235.
Genomic context (GRCh38, chr18:59,469,471, plus strand): 5'-GACAGAACCATCTGAACAAGGCACATGTTCAGAAGCTGGAAACAAGCACATTCCCAACAC[AC>A]CCAGACAGTATGGCTTCTCCCGCTTCCGGTGTCTCTCCCGGTCATATCGGTATCCCGGAT-3'

ClinVar aggregate classification (germline): Likely pathogenic (1 of 4 stars; one submission).

Submission:

Labcorp Genetics (formerly Invitae), Labcorp
Classification: Likely pathogenic. Last evaluated: 2017-07-18. Review status: criteria provided, single submitter. Criteria: Invitae Variant Classification Sherloc (09022015). Collection method: clinical testing. Allele origin: germline.
Comment: Algorithms developed to predict the effect of sequence changes on RNA splicing suggest that this variant may disrupt the consensus splice site, but this prediction has not been confirmed by published transcriptional studies. Donor and acceptor splice site variants typically lead to a loss of protein function (PMID: 16199547), and loss-of-function variants in CCBE1 are known to be pathogenic (PMID: 19935664, 21778431, 26686525). In summary, the currently available evidence indicates that the variant is pathogenic, but additional data are needed to prove that conclusively. Therefore, this variant has been classified as Likely Pathogenic. This variant has not been reported in the literature in individuals with CCBE1-related disease. This sequence change affects a donor splice site in intron 4 of the CCBE1 gene. It is expected to disrupt RNA splicing and likely results in an absent or disrupted protein product. This variant is not present in population databases (ExAC no frequency).

Literature cited by the submitters: PubMed 16199547; PubMed 19935664; PubMed 21778431; PubMed 26686525.